The following is an entry in ClinVar:

ClinVar aggregate classification (germline): Conflicting classifications of pathogenicity. Review status: criteria provided, conflicting classifications (1 of 4 stars). 3 submissions from 3 submitters: Uncertain significance (1); Likely benign (2). Last evaluated 2026-05-01.

Conditions:
Primary ciliary dyskinesia 5. Also called: CILIARY DYSKINESIA, PRIMARY, 5, WITHOUT SITUS INVERSUS. Identifiers: Orphanet 244, MedGen C1837615, MONDO:0012088, OMIM 608647.

Allele frequency attached by ClinVar (database versions not stated): 1000 Genomes Project 0.00140; gnomAD 0.00153 and 0.00157; 1000 Genomes Project 30x 0.00156; TOPMed 0.00168; gnomAD exomes 0.00202 and 0.00249; ESP Exome Variant Server 0.00221; ExAC 0.00238.
gnomAD v4.1: 3,851 of 1,613,494 alleles (0.24%); highest among the groups gnomAD compares: South Asian, 0.39%; 10 homozygotes.

Submissions (3):

CeGaT Center for Human Genetics Tuebingen
Classification: Likely benign. Last evaluated: 2026-05-01. Review status: criteria provided, single submitter. Criteria: CeGaT Center For Human Genetics Tuebingen Variant Classification Criteria Version 2. Collection method: clinical testing. Allele origin: germline. Affected: yes. Observed: 2 variant alleles.
Comment: HYDIN: BP4, BS2

Blueprint Genetics
Classification: Likely benign. Last evaluated: 2024-11-21. Review status: criteria provided, single submitter. Criteria: ACMG Guidelines, 2015. Collection method: clinical testing. Allele origin: germline.

Baylor Genetics
Classification: Uncertain significance for Primary ciliary dyskinesia 5. Last evaluated: 2022-10-09. Review status: criteria provided, single submitter. Criteria: ACMG Guidelines, 2015. Collection method: clinical testing. Allele origin: unknown.

NM_001270974.2(HYDIN):c.11638G>A (p.Asp3880Asn)

Gene: HYDIN (HYDIN axonemal central pair apparatus protein; minus strand). Cytogenetic location: 16q22.2.
Variant type: single nucleotide variant.
Coding change: c.11638G>A on transcript NM_001270974.2 (MANE Select); coding-DNA position 11638, G replaced by A.
Protein change: p.Asp3880Asn; replaces aspartic acid 3880 with asparagine.
Molecular consequence: missense variant.
Genome position (GRCh38, 1-based): chr16:70,862,187, C>T on the plus strand (G>A on the coding strand, the complement: HYDIN is on the minus strand). VCF-style: chr16-70862187-C-T. GRCh37 (hg19) VCF-style: chr16-70896090-C-T.
Other names: short protein forms D3880N.
Identifiers: ClinVar variation 1031945 (VCV001031945.16), dbSNP rs199690569, ClinGen allele CA8148955.